The following is an entry in ClinVar:

ClinVar aggregate classification (germline): Likely pathogenic (1 of 4 stars; one submission).

Conditions:
Retinitis pigmentosa 51 (RP51). Identifiers: Orphanet 791, MedGen C3150715, MONDO:0013274, OMIM 613464.

gnomAD v4.1: 4 of 1,599,258 alleles (0.00025%); highest among the groups gnomAD compares: Non-Finnish European, 0.00034%; no homozygotes.

Submission:

Dasa
Classification: Likely pathogenic for Retinitis pigmentosa 51. Last evaluated: 2025-11-17. Review status: criteria provided, single submitter. Criteria: DASA Assertion Criteria. Collection method: clinical testing. Allele origin: germline.
Comment: NM_144596.4(TTC8):c.799-2A>C affects a canonical splice site and is predicted to disrupt normal RNA splicing. Loss of function is an established disease mechanism for TTC8-associated disorders. Also, this variant is rare in population databases. Based on the currently available evidence, this variant is classified as likely pathogenic.

NM_144596.4(TTC8):c.799-2A>C

Gene: TTC8 (tetratricopeptide repeat domain 8; plus strand). Cytogenetic location: 14q31.3.
Variant type: single nucleotide variant.
Coding change: c.799-2A>C on transcript NM_144596.4 (MANE Select); the canonical splice acceptor site of the intron before coding-DNA position 799, A replaced by C.
Molecular consequence: splice acceptor variant.
Genome position (GRCh38, 1-based): chr14:88,861,220, A>C. VCF-style: chr14-88861220-A-C. GRCh37 (hg19) VCF-style: chr14-89327564-A-C.
Other names: c.205-2A>C (NM_001288782.1); c.847-2A>C (NM_001288781.1); c.769-2A>C (NM_198309.3, NM_001366535.2); c.82-2A>C (NM_001288783.1); c.679-2A>C (NM_198310.3, NM_001366536.2).
Identifiers: ClinVar variation 4883563 (VCV004883563.2).